The following is an entry in ClinVar:

ClinVar aggregate classification (germline): Likely pathogenic (1 of 4 stars; one submission).

Conditions:
Congenital insensitivity to pain-hypohidrosis syndrome. Also called: Neuropathy, hereditary sensory and autonomic, type VIII; HSAN VIII. Identifiers: Orphanet 478664, MedGen C4225308, MONDO:0014662, OMIM 616488.

Submission:

Genomics, Clalit Research Institute, Clalit Health Care
Classification: Likely pathogenic for Congenital insensitivity to pain-hypohidrosis syndrome. Last evaluated: 2025-03-05. Review status: criteria provided, single submitter. Criteria: ACMG Guidelines, 2015. Collection method: clinical testing. Allele origin: germline. Inheritance: Autosomal recessive inheritance. Affected: yes. Observed: 3 homozygotes. Clinical features observed: Corneal ulceration (HP:0012804), insensitivity to pain, Global developmental delay, microcephaly, Recurrent corneal erosions (HP:0000495), sensory neuropahy, Pain insensitivity (HP:0007021).
Comment: Inheritance: The variant was identified in the Homozygous state in the sample. Frequency: The variant is absent from the gnomAD reference population dataset. (pm2_support) Segregation: The variant is segregated with disease in multiple affected family members in a gene definitively known to cause disease (PMID: 36111846). (pp1_moderate) Allelic data: This variant was previously reported in homozygote patients (Clalit, PMID: 36111846). (pm3_strong*) Prediction tools: REVEL predicts an uncertain impact on the gene or gene product (score 0.44). pm2_support + pm3_strong + pp1_moderate = Likely pathogenic. * pm3 for homozygotes was capped at a strong level of evidence

Literature cited by the submitters: PubMed 36111846.

NM_021619.3(PRDM12):c.455C>A (p.Ala152Asp)

Gene: PRDM12 (PR/SET domain 12; plus strand). Cytogenetic location: 9q34.12.
Variant type: single nucleotide variant.
Coding change: c.455C>A on transcript NM_021619.3 (MANE Select); coding-DNA position 455, C replaced by A.
Protein change: p.Ala152Asp; replaces alanine 152 with aspartic acid.
Molecular consequence: missense variant.
Genome position (GRCh38, 1-based): chr9:130,668,198, C>A. VCF-style: chr9-130668198-C-A. GRCh37 (hg19) VCF-style: chr9-133543585-C-A.
Other names: short protein forms A152D.
Identifiers: ClinVar variation 3773873 (VCV003773873.2).